The following is an entry in ClinVar:

ClinVar aggregate classification (germline): Uncertain significance. Review status: criteria provided, multiple submitters, no conflicts (2 of 4 stars). 6 submissions from 6 submitters: Uncertain significance (5). 1 of the submissions does not count toward it. Last evaluated 2025-12-10.

Conditions:
Hereditary cancer-predisposing syndrome. Also called: Hereditary neoplastic syndrome; Neoplastic Syndromes, Hereditary; Hereditary Cancer Syndrome; Tumor predisposition. Identifiers: Orphanet 140162, MedGen C0027672, MeSH D009386, MONDO:0015356.
Ataxia-telangiectasia syndrome (AT). Also called: Ataxia-telangiectasia, complementation group D; AT, COMPLEMENTATION GROUP C; Cerebello-oculocutaneous telangiectasia; Immunodeficiency with ataxia telangiectasia; LOUIS-BAR SYNDROME; Ataxia telangiectasia (A-T). Identifiers: Orphanet 100, MedGen C0004135, MONDO:0008840, OMIM 208900.

Allele frequency attached by ClinVar (database versions not stated): ExAC 0.00001.
gnomAD v4.1: 10 of 1,613,766 alleles (0.00062%); highest among the groups gnomAD compares: South Asian, 0.011%; 1 homozygote.

Submissions (6):

Labcorp Genetics (formerly Invitae), Labcorp
Classification: Uncertain significance for Ataxia-telangiectasia syndrome. Last evaluated: 2025-12-10. Review status: criteria provided, single submitter. Criteria: Invitae Variant Classification Sherloc (09022015). Collection method: clinical testing. Allele origin: germline.
Comment: This sequence change replaces valine, which is neutral and non-polar, with leucine, which is neutral and non-polar, at codon 1506 of the ATM protein (p.Val1506Leu). This variant is present in population databases (rs760542469, gnomAD 0.01%). This variant has not been reported in the literature in individuals affected with ATM-related conditions. ClinVar contains an entry for this variant (Variation ID: 571465). Invitae Evidence Modeling of protein sequence and biophysical properties (such as structural, functional, and spatial information, amino acid conservation, physicochemical variation, residue mobility, and thermodynamic stability) indicates that this missense variant is not expected to disrupt ATM protein function with a negative predictive value of 95%. In summary, the available evidence is currently insufficient to determine the role of this variant in disease. Therefore, it has been classified as a Variant of Uncertain Significance.

Color Diagnostics, LLC DBA Color Health
Classification: Uncertain significance for Hereditary cancer-predisposing syndrome. Last evaluated: 2024-03-06. Review status: criteria provided, single submitter. Criteria: ACMG Guidelines, 2015. Collection method: clinical testing. Allele origin: germline.
Comment: This missense variant replaces valine with leucine at codon 1506 of the ATM protein. Computational prediction suggests that this variant may not impact protein structure and function (internally defined REVEL score threshold <= 0.5, PMID: 27666373). Splice site prediction tools suggest that this variant may not impact RNA splicing. To our knowledge, functional studies have not been performed for this variant. This variant has not been reported in individuals affected with hereditary cancer in the literature. This variant has been identified in 3/251314 chromosomes in the general population by the Genome Aggregation Database (gnomAD). The available evidence is insufficient to determine the role of this variant in disease conclusively. Therefore, this variant is classified as a Variant of Uncertain Significance.

Ambry Genetics
Classification: Uncertain significance for Hereditary cancer-predisposing syndrome. Last evaluated: 2023-09-18. Review status: criteria provided, single submitter. Criteria: Ambry Variant Classification Scheme 2023. Collection method: clinical testing. Allele origin: germline.
Comment: The p.V1506L variant (also known as c.4516G>T), located in coding exon 29 of the ATM gene, results from a G to T substitution at nucleotide position 4516. The valine at codon 1506 is replaced by leucine, an amino acid with highly similar properties. This amino acid position is conserved. In addition, this alteration is predicted to be tolerated by in silico analysis. Since supporting evidence is limited at this time, the clinical significance of this alteration remains unclear.

Blueprint Genetics
Classification: Uncertain significance. Last evaluated: 2023-09-11. Review status: criteria provided, single submitter. Criteria: ACMG Guidelines, 2015. Collection method: clinical testing. Allele origin: germline.

Women's Health and Genetics/Laboratory Corporation of America, LabCorp
Classification: Uncertain significance. Last evaluated: 2022-04-29. Review status: criteria provided, single submitter. Criteria: LabCorp Variant Classification Summary - May 2015. Collection method: clinical testing. Allele origin: germline.

Natera, Inc.
Classification: Uncertain significance for Ataxia-telangiectasia. Last evaluated: 2021-04-09. Review status: no assertion criteria provided. Collection method: clinical testing. Allele origin: germline. Not counted in ClinVar's aggregate classification.

NM_000051.4(ATM):c.4516G>T (p.Val1506Leu)

Gene: ATM (ATM serine/threonine kinase; plus strand). Cytogenetic location: 11q22.3.
Variant type: single nucleotide variant.
Coding change: c.4516G>T on transcript NM_000051.4 (MANE Select); coding-DNA position 4516, G replaced by T.
Protein change: p.Val1506Leu; replaces valine 1506 with leucine.
Molecular consequence: missense variant.
Genome position (GRCh38, 1-based): chr11:108,292,698, G>T. VCF-style: chr11-108292698-G-T. GRCh37 (hg19) VCF-style: chr11-108163425-G-T.
Other names: c.4516G>T, p.Val1506Leu (NM_001351834.2); short protein forms V1506L.
Identifiers: ClinVar variation 571465 (VCV000571465.21), dbSNP rs760542469, ClinGen allele CA6265488.